The following is an entry in ClinVar:

ClinVar aggregate classification (germline): Uncertain significance. Review status: criteria provided, multiple submitters, no conflicts (2 of 4 stars). 2 submissions from 2 submitters: Uncertain significance (2). Last evaluated 2025-12-03.

Conditions:
Hereditary cancer-predisposing syndrome. Also called: Hereditary Cancer Syndrome; Hereditary neoplastic syndrome; Tumor predisposition; Neoplastic Syndromes, Hereditary. Identifiers: Orphanet 140162, MedGen C0027672, MeSH D009386, MONDO:0015356.
Cardiovascular phenotype. Identifiers: MedGen CN230736.

Allele frequency attached by ClinVar (database versions not stated): ExAC 0.00001.
gnomAD v4.1: 4 of 1,613,500 alleles (0.00025%); highest among the groups gnomAD compares: East Asian, 0.0022%; no homozygotes.

Submissions (2):

Labcorp Genetics (formerly Invitae), Labcorp
Classification: Uncertain significance. Last evaluated: 2025-12-03. Review status: criteria provided, single submitter. Criteria: Invitae Variant Classification Sherloc (09022015). Collection method: clinical testing. Allele origin: germline.
Comment: This sequence change replaces alanine, which is neutral and non-polar, with valine, which is neutral and non-polar, at codon 758 of the LZTR1 protein (p.Ala758Val). This variant is present in population databases (rs767013106, gnomAD 0.006%). This variant has not been reported in the literature in individuals affected with LZTR1-related conditions. ClinVar contains an entry for this variant (Variation ID: 1788817). Invitae Evidence Modeling of protein sequence and biophysical properties (such as structural, functional, and spatial information, amino acid conservation, physicochemical variation, residue mobility, and thermodynamic stability) indicates that this missense variant is not expected to disrupt LZTR1 protein function with a negative predictive value of 80%. In summary, the available evidence is currently insufficient to determine the role of this variant in disease. Therefore, it has been classified as a Variant of Uncertain Significance.

Ambry Genetics
Classification: Uncertain significance for Cardiovascular phenotype; Hereditary cancer-predisposing syndrome. Last evaluated: 2025-09-24. Review status: criteria provided, single submitter. Criteria: Ambry Variant Classification Scheme 2023. Collection method: clinical testing. Allele origin: germline.
Comment: The p.A758V variant (also known as c.2273C>T), located in coding exon 19 of the LZTR1 gene, results from a C to T substitution at nucleotide position 2273. The alanine at codon 758 is replaced by valine, an amino acid with similar properties. This amino acid position is highly conserved in available vertebrate species. In addition, the in silico prediction for this alteration is inconclusive. Based on the available evidence, the clinical significance of this variant remains unclear.

NM_006767.4(LZTR1):c.2273C>T (p.Ala758Val)

Gene: LZTR1 (leucine zipper like post translational regulator 1; plus strand). Cytogenetic location: 22q11.21.
Variant type: single nucleotide variant.
Coding change: c.2273C>T on transcript NM_006767.4 (MANE Select); coding-DNA position 2273, C replaced by T.
Protein change: p.Ala758Val; replaces alanine 758 with valine.
Molecular consequence: missense variant.
Genome position (GRCh38, 1-based): chr22:20,996,749, C>T. VCF-style: chr22-20996749-C-T. GRCh37 (hg19) VCF-style: chr22-21351038-C-T.
Other names: short protein forms A758V.
Identifiers: ClinVar variation 1788817 (VCV001788817.4), dbSNP rs767013106, ClinGen allele CA10119328.